The following is an entry in ClinVar:

NM_014991.6(WDFY3):c.4559T>A (p.Phe1520Tyr)

Gene: WDFY3 (WD repeat and FYVE domain containing 3; minus strand). Cytogenetic location: 4q21.23.
Variant type: single nucleotide variant.
Coding change: c.4559T>A on transcript NM_014991.6 (MANE Select); coding-DNA position 4559, T replaced by A.
Protein change: p.Phe1520Tyr; replaces phenylalanine 1520 with tyrosine.
Molecular consequence: missense variant.
Genome position (GRCh38, 1-based): chr4:84,775,098, A>T on the plus strand (T>A on the coding strand, the complement: WDFY3 is on the minus strand). VCF-style: chr4-84775098-A-T. GRCh37 (hg19) VCF-style: chr4-85696251-A-T.
Other names: short protein forms F1520Y.
Identifiers: ClinVar variation 1342397 (VCV001342397.1), dbSNP rs1745325272, ClinGen allele CA357548085.

ClinVar aggregate classification (germline): Uncertain significance (1 of 4 stars; one submission).

Conditions:
Microcephaly 18, primary, autosomal dominant (MCPH18). Identifiers: MedGen C4479608, MONDO:0054593, OMIM 617520.

Allele frequency attached by ClinVar (database versions not stated): TOPMed 0.00001.

Submission:

New York Genome Center
Classification: Uncertain significance for Microcephaly 18, primary, autosomal dominant. Last evaluated: 2021-03-12. Review status: criteria provided, single submitter. Criteria: NYGC Assertion Criteria 2020. Collection method: clinical testing. Allele origin: inherited. Observed: 2 heterozygotes. Clinical features observed: Recurrent infections (HP:0002719), B lymphocytopenia (HP:0010976), Decreased specific antibody response to vaccination (HP:0032140), Joint hypermobility (HP:0001382), Abnormality of nail color (HP:0100643), Specific learning disability (HP:0001328), Global developmental delay (HP:0001263), Persistence of primary teeth (HP:0006335), Eczema (HP:0000964), Atopic eczema (HP:0001047), Immunodeficiency (HP:0002721). Study: CSER-NYCKidSeq.
Comment: The inherited c.4559T>A (p.Phe1520Tyr) variant identified in the WDFY3 gene substitutes a well conserved Phenylalanine for Tyrosine at amino acid 1520/3527 (exon 28/68). This variant is absent from gnomAD(v3.1) suggesting it is not a common benign variant in the populations represented in that database. In silico algorithms predict this variant to beTolerated (SIFT; score:0.278) and Benign (REVEL; score:0.1129) to the function of the canonical transcript. This variant is absent from ClinVar and to our current knowledge has not been reported in affected individuals in the literature. The p.Phe1520 residue is not within a mapped domain of WDFY3 (UniProtKB:Q8IZQ1). Given the lack of compelling evidence for its pathogenicity, the inherited c.4559T>A (p.Phe1520Tyr) variant identified in the WDFY3 gene is reported as a Variant of Uncertain Significance.